The following is an entry in ClinVar:

ClinVar aggregate classification (germline): Pathogenic (1 of 4 stars; one submission).

Submission:

Labcorp Genetics (formerly Invitae), Labcorp
Classification: Pathogenic. Last evaluated: 2025-02-02. Review status: criteria provided, single submitter. Criteria: Invitae Variant Classification Sherloc (09022015). Collection method: clinical testing. Allele origin: germline.
Comment: This sequence change creates a premature translational stop signal (p.Tyr441Thrfs*37) in the LEMD3 gene. It is expected to result in an absent or disrupted protein product. Loss-of-function variants in LEMD3 are known to be pathogenic (PMID: 15489854, 19438932). This variant is not present in population databases (gnomAD no frequency). This variant has not been reported in the literature in individuals affected with LEMD3-related conditions. For these reasons, this variant has been classified as Pathogenic.

Literature cited by the submitters: PubMed 15489854; PubMed 19438932.

NM_014319.5(LEMD3):c.1321_1324del (p.Tyr441fs)

Gene: LEMD3 (LEM domain containing 3; plus strand). Cytogenetic location: 12q14.3.
Variant type: Deletion.
Coding change: c.1321_1324del on transcript NM_014319.5 (MANE Select); coding-DNA positions 1321 to 1324, 4 bases deleted (TACA; older notation c.1321_1324delTACA).
Protein change: p.Tyr441fs; shifts the reading frame from tyrosine 441.
Molecular consequence: frameshift variant.
Genome position (GRCh38, 1-based): chr12:65,170,917-65,170,920, TACA deleted; deleting any 4 consecutive bases within chr12:65,170,914-65,170,920 gives the same sequence; the c. name uses the placement nearest the transcript's 3' end. VCF-style (leftmost placement, unchanged base first): chr12-65170913-CACAT-C. GRCh37 (hg19) VCF-style: chr12-65564693-CACAT-C.
Other names: c.1321_1324del, p.Tyr441fs (NM_001167614.2); short protein forms Y441fs.
Identifiers: ClinVar variation 3729920 (VCV003729920.2).
Genomic context (GRCh38, chr12:65,170,913, plus strand): 5'-TAGTTCACTCAGGATCAATCACGCCAATCATACGGGCTCCAATCATACCTACCTGAAAAA[CACAT>C]ACAACAAACCGAAGCTTTCCGAACCCGAAGAGGAACTTCTCCAGCAATTTAAACGGGAGG-3'